The following is an entry in ClinVar:

NM_000090.4(COL3A1):c.560C>T (p.Thr187Ile)

Gene: COL3A1 (collagen type III alpha 1 chain; plus strand). Cytogenetic location: 2q32.2.
Variant type: single nucleotide variant.
Coding change: c.560C>T on transcript NM_000090.4 (MANE Select); coding-DNA position 560, C replaced by T.
Protein change: p.Thr187Ile; replaces threonine 187 with isoleucine.
Molecular consequence: missense variant.
Genome position (GRCh38, 1-based): chr2:188,988,112, C>T. VCF-style: chr2-188988112-C-T. GRCh37 (hg19) VCF-style: chr2-189852838-C-T.
Other names: p.T187I:ACA>ATA; short protein forms T187I.
Identifiers: ClinVar variation 199711 (VCV000199711.31), dbSNP rs371583734, ClinGen allele CA006991.

ClinVar aggregate classification (germline): Conflicting classifications of pathogenicity. Review status: criteria provided, conflicting classifications (1 of 4 stars). 8 submissions from 8 submitters: Uncertain significance (5); Benign (2). 1 of the submissions does not count toward it. Last evaluated 2025-12-15.

Conditions:
Polymicrogyria with or without vascular-type Ehlers-Danlos syndrome. Identifiers: Orphanet 636941, MedGen C5193040, MONDO:0032688, OMIM 618343.
Ehlers-Danlos syndrome, type 4 (EDSVASC). Also called: Ehlers-Danlos syndrome vascular type; Ehlers Danlos syndrome, ecchymotic type; Ehlers Danlos syndrome, arterial type; Ehlers Danlos syndrome, Sack-Barabas type; Ehlers-Danlos Syndrome Type IV. Identifiers: Orphanet 286, MedGen C0268338, MONDO:0017314, OMIM 130050.
COL3A1-related disorder. Also called: COL3A1-related condition.
Familial thoracic aortic aneurysm and aortic dissection (TAAD). Also called: Thoracic aortic aneurysms and dissections. Identifiers: Orphanet 91387, MedGen C4707243, MONDO:0019625.

Allele frequency attached by ClinVar (database versions not stated): gnomAD exomes 0.00002 and 0.00004; ExAC 0.00007; ESP Exome Variant Server 0.00008; gnomAD 0.00016 and 0.00017; TOPMed 0.00025.
gnomAD v4.1: 55 of 1,612,970 alleles (0.0034%); highest among the groups gnomAD compares: African/African-American, 0.057%; no homozygotes.

Submissions (8):

Labcorp Genetics (formerly Invitae), Labcorp
Classification: Uncertain significance for Ehlers-Danlos syndrome, type 4. Last evaluated: 2025-12-15. Review status: criteria provided, single submitter. Criteria: Invitae Variant Classification Sherloc (09022015). Collection method: clinical testing. Allele origin: germline.
Comment: This sequence change replaces threonine, which is neutral and polar, with isoleucine, which is neutral and non-polar, at codon 187 of the COL3A1 protein (p.Thr187Ile). This variant is present in population databases (rs371583734, gnomAD 0.05%). This missense change has been observed in individual(s) with Marfan syndrome (PMID: 25944730). ClinVar contains an entry for this variant (Variation ID: 199711). Invitae Evidence Modeling of protein sequence and biophysical properties (such as structural, functional, and spatial information, amino acid conservation, physicochemical variation, residue mobility, and thermodynamic stability) indicates that this missense variant is not expected to disrupt COL3A1 protein function with a negative predictive value of 95%. In summary, the available evidence is currently insufficient to determine the role of this variant in disease. Therefore, it has been classified as a Variant of Uncertain Significance.

Ambry Genetics
Classification: Benign for Familial thoracic aortic aneurysm and aortic dissection. Last evaluated: 2025-12-09. Review status: criteria provided, single submitter. Criteria: Ambry Variant Classification Scheme 2023. Collection method: clinical testing. Allele origin: germline.

All of Us Research Program, National Institutes of Health
Classification: Uncertain significance for Ehlers-Danlos syndrome, type 4. Last evaluated: 2024-09-23. Review status: criteria provided, single submitter. Criteria: ACMG Guidelines, 2015. Collection method: clinical testing. Allele origin: germline. Inheritance: Autosomal dominant inheritance. Observed: 18 variant alleles, 18 heterozygotes.
Comment: This missense variant replaces threonine with isoleucine at codon 187 of the COL3A1 protein. Computational prediction suggests that this variant may not impact protein structure and function (internally defined REVEL score threshold <= 0.5, PMID: 27666373). Splice site prediction tools suggest that this variant may not impact RNA splicing. To our knowledge, functional studies have not been performed for this variant. This variant has not been reported in individuals affected with cardiovascular disorders in the literature. This variant has been identified in 12/282348 chromosomes in the general population by the Genome Aggregation Database (gnomAD). The available evidence is insufficient to determine the role of this variant in disease conclusively. Therefore, this variant is classified as a Variant of Uncertain Significance.

This study involves interpretation of variants in research participants for the purpose of population health screening. Participant phenotype was not available at the time of variant classification. Additional details can be found in publication PMID: 35346344, PMCID: PMC8962531

Color Diagnostics, LLC DBA Color Health
Classification: Uncertain significance for Familial thoracic aortic aneurysm and aortic dissection. Last evaluated: 2024-07-12. Review status: criteria provided, single submitter. Criteria: ACMG Guidelines, 2015. Collection method: clinical testing. Allele origin: germline.
Comment: This missense variant replaces threonine with isoleucine at codon 187 of the COL3A1 protein. Computational prediction tools indicate that this variant has a neutral impact on protein structure and function. To our knowledge, functional studies have not been reported for this variant. This variant has been reported in an individual affected with Marfan syndrome (PMID: 25944730). This variant has been identified in 12/282348 chromosomes in the general population by the Genome Aggregation Database (gnomAD). The available evidence is insufficient to determine the role of this variant in disease conclusively. Therefore, this variant is classified as a Variant of Uncertain Significance.

GeneDx
Classification: Uncertain significance. Last evaluated: 2024-05-01. Review status: criteria provided, single submitter. Criteria: GeneDx Variant Classification Process June 2021. Collection method: clinical testing. Allele origin: germline. Affected: yes.
Comment: Reported in a patient with a suspected clinical diagnosis of Marfan syndrome who presented with pneumomediastinum, craniofacial, musculoskeletal, and dermal features, but familial segregation information was not provided (PMID: 25944730); In silico analysis supports that this missense variant does not alter protein structure/function; Occurs in the triple helical domain at the X position in the canonical Gly-X-Y repeat; although this variant may have an effect on normal protein folding and function, missense substitution at the X position is not a common mechanism of disease (HGMD); This variant is associated with the following publications: (PMID: 25944730)

Revvity Omics, Revvity
Classification: Uncertain significance. Last evaluated: 2019-05-01. Review status: criteria provided, single submitter. Criteria: ACMG Guidelines, 2015. Collection method: clinical testing. Allele origin: germline.

Women's Health and Genetics/Laboratory Corporation of America, LabCorp
Classification: Benign. Last evaluated: 2017-07-10. Review status: criteria provided, single submitter. Criteria: LabCorp Variant Classification Summary - May 2015. Collection method: clinical testing. Allele origin: germline.

PreventionGenetics, part of Exact Sciences
Classification: Uncertain significance for COL3A1-related condition. Last evaluated: 2023-12-08. Review status: no assertion criteria provided. Collection method: clinical testing. Allele origin: germline. Not counted in ClinVar's aggregate classification.
Comment: The COL3A1 c.560C>T variant is predicted to result in the amino acid substitution p.Thr187Ile. This variant was reported as uncertain significance in an individual with Marfan syndrome (case #164, Wooderchak-Donahue et al. 2015. PubMed ID: 25944730). This variant is reported in 0.036% of alleles in individuals of African descent in gnomAD. At this time, the clinical significance of this variant is uncertain due to the absence of conclusive functional and genetic evidence.

Literature cited by the submitters: PubMed 25944730 (cited by 4 submitters).